The following is an entry in ClinVar:

ClinVar aggregate classification (germline): Pathogenic (1 of 4 stars; one submission).

Conditions:
Primary ciliary dyskinesia. Also called: Ciliary dyskinesia. Identifiers: Orphanet 244, MedGen C0008780, MONDO:0016575, HP:0012265.

Submission:

Labcorp Genetics (formerly Invitae), Labcorp
Classification: Pathogenic for Primary ciliary dyskinesia. Last evaluated: 2021-03-09. Review status: criteria provided, single submitter. Criteria: Invitae Variant Classification Sherloc (09022015). Collection method: clinical testing. Allele origin: germline.
Comment: For these reasons, this variant has been classified as Pathogenic. This variant has not been reported in the literature in individuals with DNAH8-related conditions. This variant is a gross deletion of the genomic region encompassing exon(s) 2-4 of the DNAH8 gene, which includes the initiator codon. The 5' end of this event is unknown as it extends beyond the assayed region for this gene and therefore may encompass additional genes. The 3' boundary is likely confined to intron 4 of the DNAH8 gene. It is expected to result in an absent or disrupted protein product. Loss-of-function variants in DNAH8 are known to be pathogenic (PMID: 24307375).

Literature cited by the submitters: PubMed 24307375.

NC_000006.11:g.(?_38690586)_(38697782_?)del

Gene: DNAH8 (dynein axonemal heavy chain 8; plus strand). Cytogenetic location: 6p21.2.
Variant type: Deletion.
Identifiers: ClinVar variation 1459612 (VCV001459612.12).